The following is an entry in ClinVar:

NM_000540.3(RYR1):c.11142-11T>C

Gene: RYR1 (ryanodine receptor 1; plus strand). Cytogenetic location: 19q13.2.
Variant type: single nucleotide variant.
Coding change: c.11142-11T>C on transcript NM_000540.3 (MANE Select); 11 bases into the intron before coding-DNA position 11142, T replaced by C.
Molecular consequence: intron variant.
Genome position (GRCh38, 1-based): chr19:38,532,479, T>C. VCF-style: chr19-38532479-T-C. GRCh37 (hg19) VCF-style: chr19-39023119-T-C.
Other names: c.11127-11T>C (NM_001042723.2).
Identifiers: ClinVar variation 3073510 (VCV003073510.1), dbSNP rs2514515558, ClinGen allele CA2814358160.
Genomic context (GRCh38, chr19:38,532,479, plus strand): 5'-TGCCCAGAAGCTCTTATAAGATGGGGGTCCTCTCCACCGGGTCCTGACCACTCCCCTGCT[T>C]ACTTCCCCAGCAAACTGGATGAGGATTACCTGTACATGGCCTATGCTGATATCATGGCAA-3'

ClinVar aggregate classification (germline): Likely benign (1 of 4 stars; one submission).

Conditions:
Malignant hyperthermia, susceptibility to, 1 (MHS1). Also called: Anesthesia related hyperthermia; Malignant hyperpyrexia; Fulminating hyperpyrexia; Pharmacogenic myopathy; RYR1-Related Malignant Hyperthermia Susceptibility; Malignant hyperthermia suceptibility 1. Identifiers: Orphanet 423, MedGen C2930980, MONDO:0007783, OMIM 145600.

Submission:

All of Us Research Program, National Institutes of Health
Classification: Likely benign for Malignant hyperthermia, susceptibility to, 1. Last evaluated: 2023-10-02. Review status: criteria provided, single submitter. Criteria: ACMG Guidelines, 2015. Collection method: clinical testing. Allele origin: germline. Inheritance: Autosomal dominant inheritance. Observed: 1 variant allele, 1 heterozygote.
Comment: This study involves interpretation of variants in research participants for the purpose of population health screening. Participant phenotype was not available at the time of variant classification. Additional details can be found in publication PMID: 35346344, PMCID: PMC8962531